The following is an entry in ClinVar:

NM_198407.2(GHSR):c.834del (p.Phe279fs)

Gene: GHSR (growth hormone secretagogue receptor; minus strand). Cytogenetic location: 3q26.31.
Variant type: Deletion.
Coding change: c.834del on transcript NM_198407.2 (MANE Select); coding-DNA position 834, one base deleted (C; older notation c.834delC).
Protein change: p.Phe279fs; shifts the reading frame from phenylalanine 279.
Molecular consequence: frameshift variant.
Genome position (GRCh38, 1-based): chr3:172,445,428, G deleted on the plus strand (C on the coding strand, the reverse complement: GHSR is on the minus strand); the first of 4 consecutive G bases (chr3:172,445,428-172,445,431); deleting any one gives the same sequence. VCF-style (leftmost placement, unchanged base first): chr3-172445427-AG-A. GRCh37 (hg19) VCF-style: chr3-172163217-AG-A.
Other names: short protein forms F279fs.
Identifiers: ClinVar variation 1448801 (VCV001448801.7), dbSNP rs1249971956, ClinGen allele CA548333833.

ClinVar aggregate classification (germline): Uncertain significance. Review status: criteria provided, multiple submitters, no conflicts (2 of 4 stars). 2 submissions from 2 submitters: Uncertain significance (2). Last evaluated 2024-08-22.

Submissions (2):

GeneDx
Classification: Uncertain significance. Last evaluated: 2024-08-22. Review status: criteria provided, single submitter. Criteria: GeneDx Variant Classification Process June 2021. Collection method: clinical testing. Allele origin: germline. Affected: yes.
Comment: Not observed at significant frequency in large population cohorts (gnomAD); Frameshift variant predicted to result in abnormal protein length as the last 88 amino acids are replaced with 2 different amino acids; Has not been previously published as pathogenic or benign to our knowledge

Labcorp Genetics (formerly Invitae), Labcorp
Classification: Uncertain significance. Last evaluated: 2024-03-07. Review status: criteria provided, single submitter. Criteria: Invitae Variant Classification Sherloc (09022015). Collection method: clinical testing. Allele origin: germline.
Comment: This sequence change creates a premature translational stop signal (p.Phe279Serfs*3) in the GHSR gene. While this is not anticipated to result in nonsense mediated decay, it is expected to disrupt the last 88 amino acid(s) of the GHSR protein. This variant is present in population databases (no rsID available, gnomAD 0.003%). This variant has not been reported in the literature in individuals affected with GHSR-related conditions. ClinVar contains an entry for this variant (Variation ID: 1448801). In summary, the available evidence is currently insufficient to determine the role of this variant in disease. Therefore, it has been classified as a Variant of Uncertain Significance.